The following is an entry in ClinVar:

NM_017654.4(SAMD9):c.982T>C (p.Tyr328His)

Gene: SAMD9 (sterile alpha motif domain containing 9; minus strand). Cytogenetic location: 7q21.2.
Variant type: single nucleotide variant.
Coding change: c.982T>C on transcript NM_017654.4 (MANE Select); coding-DNA position 982, T replaced by C.
Protein change: p.Tyr328His; replaces tyrosine 328 with histidine.
Molecular consequence: missense variant.
Genome position (GRCh38, 1-based): chr7:93,105,116, A>G on the plus strand (T>C on the coding strand, the complement: SAMD9 is on the minus strand). VCF-style: chr7-93105116-A-G. GRCh37 (hg19) VCF-style: chr7-92734429-A-G.
Other names: c.982T>C, p.Tyr328His (NM_001193307.2); short protein forms Y328H.
Identifiers: ClinVar variation 1337649 (VCV001337649.4), dbSNP rs750797668, ClinGen allele CA4343053.

ClinVar aggregate classification (germline): Uncertain significance (1 of 4 stars; one submission).

Allele frequency attached by ClinVar (database versions not stated): ExAC 0.00001; gnomAD exomes 0.00001.
gnomAD v4.1: 3 of 1,613,750 alleles (0.00019%); highest among the groups gnomAD compares: South Asian, 0.0022%; no homozygotes.

Submission:

Genetic Services Laboratory, University of Chicago
Classification: Uncertain significance. Last evaluated: 2020-07-09. Review status: criteria provided, single submitter. Criteria: ACMG Guidelines, 2015. Collection method: clinical testing. Allele origin: germline. Affected: no.
Comment: DNA sequence analysis of the SAMD9 gene demonstrated a sequence change, c.982T>C, in exon 3 that results in an amino acid change, p.Tyr328His. This sequence change does not appear to have been previously described in patients with SAMD9-related disorders and has been described in the gnomAD database in two heterozygous individuals which corresponds to the population frequency of 0.00080% (dbSNP rs750797668). The p.Tyr328His change affects a poorly conserved amino acid residue located in a domain of the SAMD9 protein that is not known to be functional. The p.Tyr328His substitution appears to be benign using several in-silico pathogenicity prediction tools (SIFT, PolyPhen2, Align GVGD, REVEL). Due to these contrasting evidences and the lack of functional studies, the clinical significance of the p.Tyr328His change remains unknown at this time.